The following is an entry in ClinVar:

ClinVar aggregate classification (germline): Uncertain significance (1 of 4 stars; one submission).

Submission:

GeneDx
Classification: Uncertain significance. Last evaluated: 2022-10-03. Review status: criteria provided, single submitter. Criteria: GeneDx Variant Classification Process June 2021. Collection method: clinical testing. Allele origin: germline. Affected: yes.
Comment: Not observed at significant frequency in large population cohorts (gnomAD); Missense variants in this gene are often considered pathogenic (HGMD); In silico analysis supports that this missense variant has a deleterious effect on protein structure/function; Has not been previously published as pathogenic or benign to our knowledge

NM_001614.5(ACTG1):c.229A>G (p.Thr77Ala)

Gene: ACTG1 (actin gamma 1; minus strand). Cytogenetic location: 17q25.3.
Variant type: single nucleotide variant.
Coding change: c.229A>G on transcript NM_001614.5 (MANE Select); coding-DNA position 229, A replaced by G.
Protein change: p.Thr77Ala; replaces threonine 77 with alanine.
Molecular consequence: missense variant. On other transcripts: non-coding transcript variant (1).
Genome position (GRCh38, 1-based): chr17:81,512,037, T>C on the plus strand (A>G on the coding strand, the complement: ACTG1 is on the minus strand). VCF-style: chr17-81512037-T-C. GRCh37 (hg19) VCF-style: chr17-79479063-T-C.
Other names: c.229A>G, p.Thr77Ala (NM_001199954.3); short protein forms T77A.
Identifiers: ClinVar variation 2446519 (VCV002446519.1), dbSNP rs538822936, ClinGen allele CA401463129.
Genomic context (GRCh38, chr17:81,512,037, plus strand): 5'-CCACGCGCAGCTCGTTGTAGAAGGTGTGGTGCCAGATCTTCTCCATGTCGTCCCAGTTGG[T>C]GACGATGCCATGCTCAATGGGGTACTTCAGGGTCAGGATGCCACGCTTGCTCTGGGCCTC-3'
Protein context (NP_001605.1, residues 67-87): LKYPIEHGIV[Thr77Ala]NWDDMEKIWH